The following is an entry in ClinVar:

ClinVar aggregate classification (germline): Pathogenic/Likely pathogenic. Review status: criteria provided, multiple submitters, no conflicts (2 of 4 stars). 2 submissions from 2 submitters: Pathogenic (1); Likely pathogenic (1). Last evaluated 2024-01-22.

Conditions:
Maple syrup urine disease (MSUD). Identifiers: Orphanet 511, MedGen C0024776, MeSH D008375, MONDO:0009563. Disease mechanism: loss of function.
Maple syrup urine disease type 2 (MSUD2). Also called: Maple syrup urine disease, type II. Identifiers: MedGen C1855371, MONDO:0023693, OMIM 620699.

Submissions (2):

Fulgent Genetics
Classification: Likely pathogenic for Maple syrup urine disease type 2. Last evaluated: 2024-01-22. Review status: criteria provided, single submitter. Criteria: ACMG Guidelines, 2015. Collection method: clinical testing. Allele origin: germline.

Labcorp Genetics (formerly Invitae), Labcorp
Classification: Pathogenic for Maple syrup urine disease. Last evaluated: 2021-11-13. Review status: criteria provided, single submitter. Criteria: Invitae Variant Classification Sherloc (09022015). Collection method: clinical testing. Allele origin: germline.
Comment: This variant is not present in population databases (gnomAD no frequency). This sequence change creates a premature translational stop signal (p.Cys38Phefs*10) in the DBT gene. It is expected to result in an absent or disrupted protein product. Loss-of-function variants in DBT are known to be pathogenic (PMID: 16579849, 16786533). This variant has not been reported in the literature in individuals affected with DBT-related conditions. For these reasons, this variant has been classified as Pathogenic.

Literature cited by the submitters: PubMed 16579849 (cited by Labcorp Genetics (formerly Invitae), Labcorp); PubMed 16786533 (cited by Labcorp Genetics (formerly Invitae), Labcorp).

NM_001918.5(DBT):c.113_114del (p.Cys38fs)

Gene: DBT (dihydrolipoamide branched chain transacylase E2; minus strand). Cytogenetic location: 1p21.2.
Variant type: Microsatellite.
Coding change: c.113_114del on transcript NM_001918.5 (MANE Select); coding-DNA positions 113 to 114, 2 bases deleted (GT; older notation c.113_114delGT).
Protein change: p.Cys38fs; shifts the reading frame from cysteine 38.
Molecular consequence: frameshift variant.
Genome position (GRCh38, 1-based): chr1:100,240,822-100,240,823, AC deleted on the plus strand (GT on the coding strand, the reverse complement: DBT is on the minus strand); deleting any 2 consecutive bases within chr1:100,240,822-100,240,828 gives the same sequence; the c. name uses the placement nearest the transcript's 3' end. VCF-style (leftmost placement, unchanged base first): chr1-100240821-AAC-A. GRCh37 (hg19) VCF-style: chr1-100706377-AAC-A.
Other names: short protein forms C38fs.
Identifiers: ClinVar variation 1397613 (VCV001397613.7), dbSNP rs2100844690, ClinGen allele CA2580611471.